The following is an entry in ClinVar:

NM_153218.4(LACC1):c.858G>A (p.Pro286=)

Gene: LACC1 (laccase domain multifunctional purine nucleosidase 1; plus strand). Cytogenetic location: 13q14.11.
Variant type: single nucleotide variant.
Coding change: c.858G>A on transcript NM_153218.4 (MANE Select); coding-DNA position 858, G replaced by A.
Protein change: p.Pro286=; no amino-acid change (proline 286 retained).
Molecular consequence: synonymous variant.
Genome position (GRCh38, 1-based): chr13:43,883,887, G>A. VCF-style: chr13-43883887-G-A. GRCh37 (hg19) VCF-style: chr13-44458023-G-A.
Other names: c.858G>A, p.Pro286= (NM_001128303.2, NM_001350638.2, NM_001350639.2 and 4 more transcripts); c.90G>A, p.Pro30= (NM_001350644.2, NM_001350645.2, NM_001350646.2 and 2 more transcripts).
Identifiers: ClinVar variation 4873148 (VCV004873148.2).
Genomic context (GRCh38, chr13:43,883,887, plus strand): 5'-TGGAATAACCACAAATCAGAGAGGAGTCACAATAGCAGCTCTTGGTGCAGACTGTATACC[G>A]ATAGTTTTTGCAGATCCAGTCAAAAAAGCATGTGGGGTTGCTCACGCTGGTAAGTATACT-3'
Protein context (NP_694950.2, residues 276-296): TIAALGADCI[Pro286=]IVFADPVKKA

ClinVar aggregate classification (germline): Likely benign (1 of 4 stars; one submission).

gnomAD v4.1: 293 of 1,613,084 alleles (0.018%); highest among the groups gnomAD compares: African/African-American, 0.22%; no homozygotes.

Submission:

CeGaT Center for Human Genetics Tuebingen
Classification: Likely benign. Last evaluated: 2026-06-01. Review status: criteria provided, single submitter. Criteria: CeGaT Center For Human Genetics Tuebingen Variant Classification Criteria Version 2. Collection method: clinical testing. Allele origin: germline. Affected: yes. Observed: 1 variant allele.
Comment: LACC1: BP4, BP7